The following is an entry in ClinVar:

ClinVar aggregate classification (germline): Likely benign. Review status: criteria provided, multiple submitters, no conflicts (2 of 4 stars). 2 submissions from 2 submitters: Likely benign (2). Last evaluated 2026-08-01.

Conditions:
Genitopatellar syndrome (GTPTS). Also called: Genitopatellar syndrome (GPS); ABSENT PATELLAE, SCROTAL HYPOPLASIA, RENAL ANOMALIES, FACIAL DYSMORPHISM, AND MENTAL RETARDATION. Identifiers: Orphanet 85201, MedGen C1853566, MONDO:0011640, OMIM 606170.

Allele frequency attached by ClinVar (database versions not stated): gnomAD 0.00002; gnomAD exomes 0.00002; TOPMed 0.00002; ExAC 0.00003.
gnomAD v4.1: 35 of 1,613,954 alleles (0.0022%); highest among the groups gnomAD compares: Middle Eastern, 0.016%; no homozygotes.

Submissions (2):

CeGaT Center for Human Genetics Tuebingen
Classification: Likely benign. Last evaluated: 2026-08-01. Review status: criteria provided, single submitter. Criteria: CeGaT Center For Human Genetics Tuebingen Variant Classification Criteria Version 2. Collection method: clinical testing. Allele origin: germline. Affected: yes. Observed: 1 variant allele.
Comment: KAT6B: BP4, BP7

Labcorp Genetics (formerly Invitae), Labcorp
Classification: Likely benign for Genitopatellar syndrome. Last evaluated: 2025-08-18. Review status: criteria provided, single submitter. Criteria: Invitae Variant Classification Sherloc (09022015). Collection method: clinical testing. Allele origin: germline.

NM_012330.4(KAT6B):c.4689C>T (p.Ala1563=)

Gene: KAT6B (lysine acetyltransferase 6B; plus strand). Cytogenetic location: 10q22.2.
Variant type: single nucleotide variant.
Coding change: c.4689C>T on transcript NM_012330.4 (MANE Select); coding-DNA position 4689, C replaced by T.
Protein change: p.Ala1563=; no amino-acid change (alanine 1563 retained).
Molecular consequence: synonymous variant.
Genome position (GRCh38, 1-based): chr10:75,029,513, C>T. VCF-style: chr10-75029513-C-T. GRCh37 (hg19) VCF-style: chr10-76789271-C-T.
Other names: c.4140C>T, p.Ala1380= (NM_001256468.2, NM_001370138.1); c.3813C>T, p.Ala1271= (NM_001256469.2, NM_001370139.1, NM_001370140.1 and 2 more transcripts); c.3651C>T, p.Ala1217= (NM_001370132.1); c.3000C>T, p.Ala1000= (NM_001370133.1); c.2604C>T, p.Ala868= (NM_001370134.1); c.2346C>T, p.Ala782= (NM_001370135.1); c.4689C>T, p.Ala1563= (NM_001370136.1, NM_001370137.1); c.3624C>T, p.Ala1208= (NM_001370143.1, NM_001370144.1).
Identifiers: ClinVar variation 1929584 (VCV001929584.6), dbSNP rs766030818, ClinGen allele CA5565080.